The following is an entry in ClinVar:

NM_004364.5(CEBPA):c.125C>T (p.Pro42Leu)

Gene: CEBPA (CCAAT enhancer binding protein alpha; minus strand). Cytogenetic location: 19q13.11.
Variant type: single nucleotide variant.
Coding change: c.125C>T on transcript NM_004364.5 (MANE Select); coding-DNA position 125, C replaced by T.
Protein change: p.Pro42Leu; replaces proline 42 with leucine.
Molecular consequence: missense variant. On other transcripts: 5 prime UTR variant (1).
Genome position (GRCh38, 1-based): chr19:33,302,290, G>A on the plus strand (C>T on the coding strand, the complement: CEBPA is on the minus strand). VCF-style: chr19-33302290-G-A. GRCh37 (hg19) VCF-style: chr19-33793196-G-A.
Other names: c.-233C>T (NM_001285829.2); c.230C>T, p.Pro77Leu (NM_001287424.2); c.83C>T, p.Pro28Leu (NM_001287435.2); short protein forms P28L, P42L, P77L.
Identifiers: ClinVar variation 5034292 (VCV005034292.1).
Genomic context (GRCh38, chr19:33,302,290, plus strand): 5'-ATGGACGTCTCGTGCTCGCAGATGCCGCCCAGCGGCTCCGGGGCGGCAGGTGGGGCGGGA[G>A]GCTGCGCGGGGCCCGCGCCCCGGGGAAAGCCGAAGGCGGCGCTGCTGGGCGCGTGCGGGG-3'
Protein context (NP_004355.2, residues 32-52): GFPRGAGPAQ[Pro42Leu]PAPPAAPEPL

ClinVar aggregate classification (germline): Uncertain significance (1 of 4 stars; one submission).

Conditions:
Inborn genetic diseases. Identifiers: MedGen C0950123, MeSH D030342.

Submission:

Ambry Genetics
Classification: Uncertain significance for Inborn genetic diseases. Last evaluated: 2026-07-07. Review status: criteria provided, single submitter. Criteria: Ambry Variant Classification Scheme 2023. Collection method: clinical testing. Allele origin: germline.
Comment: The p.P42L variant (also known as c.125C>T), located in coding exon 1 of the CEBPA gene, results from a C to T substitution at nucleotide position 125. The proline at codon 42 is replaced by leucine, an amino acid with similar properties. This amino acid position is conserved. In addition, this alteration is predicted to be tolerated by in silico analysis. Based on the available evidence, the clinical significance of this variant remains unclear.